The following is an entry in ClinVar:

NM_005751.5(AKAP9):c.3838-4A>G

Gene: AKAP9 (A-kinase anchoring protein 9; plus strand). Cytogenetic location: 7q21.2.
Variant type: single nucleotide variant.
Coding change: c.3838-4A>G on transcript NM_005751.5 (MANE Select); 4 bases into the intron before coding-DNA position 3838, A replaced by G.
Molecular consequence: intron variant.
Genome position (GRCh38, 1-based): chr7:92,022,234, A>G. VCF-style: chr7-92022234-A-G. GRCh37 (hg19) VCF-style: chr7-91651548-A-G.
Other names: c.3838-4A>G (NM_147185.3).
Identifiers: ClinVar variation 939754 (VCV000939754.11), dbSNP rs565812419, ClinGen allele CA4336415.

ClinVar aggregate classification (germline): Uncertain significance. Review status: criteria provided, multiple submitters, no conflicts (2 of 4 stars). 3 submissions from 3 submitters: Uncertain significance (3). Last evaluated 2024-05-01.

Conditions:
Long QT syndrome (LQTS). Identifiers: MedGen C0023976, MeSH D008133, MONDO:0002442. Disease mechanism: loss of function. Inheritance: Various modes of inheritance.
Long QT syndrome 11 (LQT11). Identifiers: Orphanet 101016, Orphanet 768, MedGen C2678483, MONDO:0012738, OMIM 611820.
Cardiovascular phenotype. Identifiers: MedGen CN230736.

Allele frequency attached by ClinVar (database versions not stated): TOPMed 0.00001; ExAC 0.00002; gnomAD exomes 0.00002.
gnomAD v4.1: 52 of 1,595,996 alleles (0.0033%); highest among the groups gnomAD compares: East Asian, 0.0067%; no homozygotes.

Submissions (3):

Labcorp Genetics (formerly Invitae), Labcorp
Classification: Uncertain significance for Long QT syndrome. Last evaluated: 2024-05-01. Review status: criteria provided, single submitter. Criteria: Invitae Variant Classification Sherloc (09022015). Collection method: clinical testing. Allele origin: germline.
Comment: This sequence change falls in intron 12 of the AKAP9 gene. It does not directly change the encoded amino acid sequence of the AKAP9 protein. This variant is present in population databases (rs565812419, gnomAD 0.006%). This variant has not been reported in the literature in individuals affected with AKAP9-related conditions. ClinVar contains an entry for this variant (Variation ID: 939754). Algorithms developed to predict the effect of sequence changes on RNA splicing suggest that this variant may disrupt the consensus splice site. In summary, the available evidence is currently insufficient to determine the role of this variant in disease. Therefore, it has been classified as a Variant of Uncertain Significance.

Ambry Genetics
Classification: Uncertain significance for Cardiovascular phenotype. Last evaluated: 2022-12-19. Review status: criteria provided, single submitter. Criteria: Ambry Variant Classification Scheme 2023. Collection method: clinical testing. Allele origin: germline.
Comment: The c.3838-4A>G intronic variant results from an A to G substitution 4 nucleotides upstream from coding exon 13 in the AKAP9 gene. This nucleotide position is highly conserved in available vertebrate species. In silico splice site analysis predicts that this alteration will result in the creation or strengthening of a novel splice acceptor site. The evidence for this gene-disease relationship is limited; therefore, the clinical significance of this alteration is unclear.

Fulgent Genetics
Classification: Uncertain significance for Long QT syndrome 11. Last evaluated: 2021-10-14. Review status: criteria provided, single submitter. Criteria: ACMG Guidelines, 2015. Collection method: clinical testing. Allele origin: unknown.